The following is an entry in ClinVar:

NM_000548.5(TSC2):c.756C>G (p.Leu252=)

Gene: TSC2 (TSC complex subunit 2; plus strand). Cytogenetic location: 16p13.3.
Variant type: single nucleotide variant.
Coding change: c.756C>G on transcript NM_000548.5 (MANE Select); coding-DNA position 756, C replaced by G.
Protein change: p.Leu252=; no amino-acid change (leucine 252 retained).
Molecular consequence: synonymous variant.
Genome position (GRCh38, 1-based): chr16:2,056,751, C>G. VCF-style: chr16-2056751-C-G. GRCh37 (hg19) VCF-style: chr16-2106752-C-G.
Other names: c.756C>G, p.Leu252= (NM_001077183.3, NM_001114382.3, NM_001363528.2 and 3 more transcripts); c.645C>G, p.Leu215= (NM_001318827.2); c.609C>G, p.Leu203= (NM_001318829.2); c.156C>G, p.Leu52= (NM_001318831.2); c.789C>G, p.Leu263= (NM_001318832.2).
Identifiers: ClinVar variation 765243 (VCV000765243.13), dbSNP rs1026303888, ClinGen allele CA276774795.
Genomic context (GRCh38, chr16:2,056,751, plus strand): 5'-GGCTGAGAGCCTCCCGCTGTTCATCGTTACCCTCTGTCGCACCATCAACGTCAAGGAGCT[C>G]TGCGAGCCTTGCTGGAAGGTGGGGTTTCTGAAACTGCTCTGGAAGGTTCCTGAGAGCACA-3'
Protein context (NP_000539.2, residues 242-262): TLCRTINVKE[Leu252=]CEPCWKLMRN

ClinVar aggregate classification (germline): Benign/Likely benign. Review status: criteria provided, multiple submitters, no conflicts (2 of 4 stars). 3 submissions from 3 submitters: Benign (1); Likely benign (2). Last evaluated 2025-08-06.

Conditions:
Tuberous sclerosis 2 (TSC2). Identifiers: Orphanet 805, MedGen C1860707, MONDO:0013199, OMIM 613254.
Hereditary cancer-predisposing syndrome. Also called: Tumor predisposition; Hereditary Cancer Syndrome; Neoplastic Syndromes, Hereditary; Hereditary neoplastic syndrome. Identifiers: Orphanet 140162, MedGen C0027672, MeSH D009386, MONDO:0015356.

Allele frequency attached by ClinVar (database versions not stated): TOPMed below 0.00001; gnomAD 0.00001.
gnomAD v4.1: 1 of 1,610,368 alleles (0.000062%); highest among the groups gnomAD compares: African/African-American, 0.0013%; no homozygotes.

Submissions (3):

Labcorp Genetics (formerly Invitae), Labcorp
Classification: Likely benign for Tuberous sclerosis 2. Last evaluated: 2025-08-06. Review status: criteria provided, single submitter. Criteria: Invitae Variant Classification Sherloc (09022015). Collection method: clinical testing. Allele origin: germline.

Myriad Genetics, Inc.
Classification: Benign for Tuberous sclerosis 2. Last evaluated: 2025-05-09. Review status: criteria provided, single submitter. Criteria: Myriad Autosomal Dominant, Autosomal Recessive and X-Linked Classification Criteria (2023). Collection method: clinical testing. Allele origin: unknown.
Comment: This variant is considered benign. This variant is a silent/synonymous amino acid change, and it is not expected to impact splicing.

Ambry Genetics
Classification: Likely benign for Hereditary cancer-predisposing syndrome. Last evaluated: 2021-08-20. Review status: criteria provided, single submitter. Criteria: Ambry Variant Classification Scheme 2023. Collection method: clinical testing. Allele origin: germline.